The following is an entry in ClinVar:

ClinVar aggregate classification (germline): Uncertain significance (1 of 4 stars; one submission).

Submission:

Labcorp Genetics (formerly Invitae), Labcorp
Classification: Uncertain significance. Last evaluated: 2024-03-10. Review status: criteria provided, single submitter. Criteria: Invitae Variant Classification Sherloc (09022015). Collection method: clinical testing. Allele origin: germline.
Comment: This sequence change replaces arginine, which is basic and polar, with glycine, which is neutral and non-polar, at codon 213 of the NNT protein (p.Arg213Gly). This variant is not present in population databases (gnomAD no frequency). This variant has not been reported in the literature in individuals affected with NNT-related conditions. An algorithm developed to predict the effect of missense changes on protein structure and function (PolyPhen-2) suggests that this variant is likely to be disruptive. In summary, the available evidence is currently insufficient to determine the role of this variant in disease. Therefore, it has been classified as a Variant of Uncertain Significance.

NM_182977.3(NNT):c.637C>G (p.Arg213Gly)

Gene: NNT (nicotinamide nucleotide transhydrogenase; plus strand). Cytogenetic location: 5p12.
Variant type: single nucleotide variant.
Coding change: c.637C>G on transcript NM_182977.3 (MANE Select); coding-DNA position 637, C replaced by G.
Protein change: p.Arg213Gly; replaces arginine 213 with glycine.
Molecular consequence: missense variant.
Genome position (GRCh38, 1-based): chr5:43,619,069, C>G. VCF-style: chr5-43619069-C-G. GRCh37 (hg19) VCF-style: chr5-43619171-C-G.
Other names: c.244C>G, p.Arg82Gly (NM_001331026.2); c.637C>G, p.Arg213Gly (NM_012343.4); short protein forms R82G, R213G.
Identifiers: ClinVar variation 3673468 (VCV003673468.2).